The following is an entry in ClinVar:

NM_004655.4(AXIN2):c.46A>C (p.Ser16Arg)

Gene: AXIN2 (axin 2; minus strand). Cytogenetic location: 17q24.1.
Variant type: single nucleotide variant.
Coding change: c.46A>C on transcript NM_004655.4 (MANE Select); coding-DNA position 46, A replaced by C.
Protein change: p.Ser16Arg; replaces serine 16 with arginine.
Molecular consequence: missense variant.
Genome position (GRCh38, 1-based): chr17:65,558,575, T>G on the plus strand (A>C on the coding strand, the complement: AXIN2 is on the minus strand). VCF-style: chr17-65558575-T-G. GRCh37 (hg19) VCF-style: chr17-63554693-T-G.
Other names: c.46A>C, p.Ser16Arg (NM_001363813.1); short protein forms S16R.
Identifiers: ClinVar variation 4745456 (VCV004745456.1).

ClinVar aggregate classification (germline): Uncertain significance (1 of 4 stars; one submission).

Conditions:
Oligodontia-cancer predisposition syndrome. Also called: TOOTH AGENESIS-COLORECTAL CANCER SYNDROME. Identifiers: Orphanet 300576, MedGen C1837750, MONDO:0012075, OMIM 608615. Disease mechanism: loss of function.

Submission:

Labcorp Genetics (formerly Invitae), Labcorp
Classification: Uncertain significance for Oligodontia-cancer predisposition syndrome. Last evaluated: 2025-08-05. Review status: criteria provided, single submitter. Criteria: Invitae Variant Classification Sherloc (09022015). Collection method: clinical testing. Allele origin: germline.
Comment: This sequence change replaces serine, which is neutral and polar, with arginine, which is basic and polar, at codon 16 of the AXIN2 protein (p.Ser16Arg). This variant is not present in population databases (gnomAD no frequency). This variant has not been reported in the literature in individuals affected with AXIN2-related conditions. Invitae Evidence Modeling of protein sequence and biophysical properties (such as structural, functional, and spatial information, amino acid conservation, physicochemical variation, residue mobility, and thermodynamic stability) has been performed for this missense variant. However, the output from this modeling did not meet the statistical confidence thresholds required to predict the impact of this variant on AXIN2 protein function. In summary, the available evidence is currently insufficient to determine the role of this variant in disease. Therefore, it has been classified as a Variant of Uncertain Significance.